The following is an entry in ClinVar:

ClinVar aggregate classification (germline): Uncertain significance (1 of 4 stars; one submission).

Allele frequency attached by ClinVar (database versions not stated): gnomAD exomes below 0.00001.
gnomAD v4.1: 4 of 1,613,926 alleles (0.00025%); highest among the groups gnomAD compares: Non-Finnish European, 0.00034%; no homozygotes.

Submission:

Labcorp Genetics (formerly Invitae), Labcorp
Classification: Uncertain significance. Last evaluated: 2023-12-19. Review status: criteria provided, single submitter. Criteria: Invitae Variant Classification Sherloc (09022015). Collection method: clinical testing. Allele origin: germline.
Comment: This sequence change falls in intron 3 of the RPL9 gene. It does not directly change the encoded amino acid sequence of the RPL9 protein. It affects a nucleotide within the consensus splice site. This variant is not present in population databases (gnomAD no frequency). This variant has not been reported in the literature in individuals affected with RPL9-related conditions. Variants that disrupt the consensus splice site are a relatively common cause of aberrant splicing (PMID: 17576681, 9536098). Algorithms developed to predict the effect of sequence changes on RNA splicing suggest that this variant is not likely to affect RNA splicing. In summary, the available evidence is currently insufficient to determine the role of this variant in disease. Therefore, it has been classified as a Variant of Uncertain Significance.

Literature cited by the submitters: PubMed 17576681; PubMed 9536098.

NM_000661.5(RPL9):c.162+3G>A

Gene: RPL9 (ribosomal protein L9; minus strand). Cytogenetic location: 4p14.
Variant type: single nucleotide variant.
Coding change: c.162+3G>A on transcript NM_000661.5 (MANE Select); 3 bases into the intron after coding-DNA position 162, G replaced by A.
Molecular consequence: intron variant.
Genome position (GRCh38, 1-based): chr4:39,458,191, C>T on the plus strand (G>A on the coding strand, the complement: RPL9 is on the minus strand). VCF-style: chr4-39458191-C-T. GRCh37 (hg19) VCF-style: chr4-39459811-C-T.
Other names: c.162+3G>A (NM_001024921.4).
Identifiers: ClinVar variation 2998761 (VCV002998761.3), dbSNP rs2474981633, ClinGen allele CA2670376962.
Genomic context (GRCh38, chr4:39,458,191, plus strand): 5'-ATGTGATGCTGTTATAAACCACCTTCCAACGAGCAACTGAATTATCAGAAGAAAAACCCT[C>T]ACCCTCTTTTTTTTCTTTCCAAGAAGGCTGAGTTCTACATTGATGTGATTGAAGTCCCTC-3'